The following is an entry in ClinVar:

NM_015295.3(SMCHD1):c.692A>G (p.Asp231Gly)

Gene: SMCHD1 (structural maintenance of chromosomes flexible hinge domain containing 1; plus strand). Cytogenetic location: 18p11.32.
Variant type: single nucleotide variant.
Coding change: c.692A>G on transcript NM_015295.3 (MANE Select); coding-DNA position 692, A replaced by G.
Protein change: p.Asp231Gly; replaces aspartic acid 231 with glycine.
Molecular consequence: missense variant.
Genome position (GRCh38, 1-based): chr18:2,688,447, A>G. VCF-style: chr18-2688447-A-G. GRCh37 (hg19) VCF-style: chr18-2688445-A-G.
Other names: short protein forms D231G.
Identifiers: ClinVar variation 2805243 (VCV002805243.3), dbSNP rs2510000716, ClinGen allele CA401693013.

ClinVar aggregate classification (germline): Uncertain significance (1 of 4 stars; one submission).

Conditions:
Facioscapulohumeral muscular dystrophy 2 (FSHD2). Also called: FACIOSCAPULOHUMERAL MUSCULAR DYSTROPHY 2, DIGENIC; FSHD2, DIGENIC; MUSCULAR DYSTROPHY, FACIOSCAPULOHUMERAL, TYPE 1B. Identifiers: Orphanet 269, MedGen C1834671, MONDO:0008031, OMIM 158901.

Submission:

Labcorp Genetics (formerly Invitae), Labcorp
Classification: Uncertain significance for Facioscapulohumeral muscular dystrophy 2. Last evaluated: 2024-01-19. Review status: criteria provided, single submitter. Criteria: Invitae Variant Classification Sherloc (09022015). Collection method: clinical testing. Allele origin: germline.
Comment: This sequence change replaces aspartic acid, which is acidic and polar, with glycine, which is neutral and non-polar, at codon 231 of the SMCHD1 protein (p.Asp231Gly). This variant is not present in population databases (gnomAD no frequency). This variant has not been reported in the literature in individuals affected with SMCHD1-related conditions. Advanced modeling of protein sequence and biophysical properties (such as structural, functional, and spatial information, amino acid conservation, physicochemical variation, residue mobility, and thermodynamic stability) performed at Invitae indicates that this missense variant is expected to disrupt SMCHD1 protein function with a positive predictive value of 80%. In summary, the available evidence is currently insufficient to determine the role of this variant in disease. Therefore, it has been classified as a Variant of Uncertain Significance.